The following is an entry in ClinVar:

ClinVar aggregate classification (germline): Benign/Likely benign. Review status: criteria provided, multiple submitters, no conflicts (2 of 4 stars). 6 submissions from 6 submitters: Benign (1); Likely benign (4). 1 of the submissions does not count toward it. Last evaluated 2026-01-28.

Conditions:
Multiple sulfatase deficiency (MSD). Also called: Sulfatidosis, Juvenile, Austin Type; Mucosulfatidosis; Multiple Sulfatase Deficiency Disease. Identifiers: Orphanet 585, MedGen C0268263, MONDO:0010088, OMIM 272200.

Allele frequency attached by ClinVar (database versions not stated): gnomAD 0.00188 and 0.00199; TOPMed 0.00216; ESP Exome Variant Server 0.00269; 1000 Genomes Project 30x 0.00422; 1000 Genomes Project 0.00439.
gnomAD v4.1: 673 of 1,614,070 alleles (0.042%); highest among the groups gnomAD compares: African/African-American, 0.72%; 2 homozygotes.

Submissions (6):

Labcorp Genetics (formerly Invitae), Labcorp
Classification: Benign for Multiple sulfatase deficiency. Last evaluated: 2026-01-28. Review status: criteria provided, single submitter. Criteria: Invitae Variant Classification Sherloc (09022015). Collection method: clinical testing. Allele origin: germline.

Mayo Clinic Laboratories, Mayo Clinic
Classification: Likely benign. Last evaluated: 2025-08-12. Review status: criteria provided, single submitter. Criteria: ACMG Guidelines, 2015. Collection method: clinical testing. Allele origin: germline. Observed: 6 variant alleles.
Comment: BS1, BP4, BP7

Blueprint Genetics
Classification: Likely benign. Last evaluated: 2024-11-25. Review status: criteria provided, single submitter. Criteria: ACMG Guidelines, 2015. Collection method: clinical testing. Allele origin: germline.

CeGaT Center for Human Genetics Tuebingen
Classification: Likely benign. Last evaluated: 2023-09-01. Review status: criteria provided, single submitter. Criteria: CeGaT Center For Human Genetics Tuebingen Variant Classification Criteria Version 2. Collection method: clinical testing. Allele origin: germline. Affected: yes. Observed: 1 variant allele.
Comment: SUMF1: BP4, BP7

Illumina Laboratory Services, Illumina
Classification: Likely benign for Multiple sulfatase deficiency. Last evaluated: 2018-01-13. Review status: criteria provided, single submitter. Criteria: ICSL Variant Classification Criteria 13 December 2019. Collection method: clinical testing. Allele origin: germline.
Comment: This variant was observed in the ICSL laboratory as part of a predisposition screen in an ostensibly healthy population. It had not been previously curated by ICSL or reported in the Human Gene Mutation Database (HGMD: prior to June 1st, 2018), and was therefore a candidate for classification through an automated scoring system. Utilizing variant allele frequency, disease prevalence and penetrance estimates, and inheritance mode, an automated score was calculated to assess if this variant is too frequent to cause the disease. Based on the score and internal cut-off values, a variant classified as likely benign is not then subjected to further curation. The score for this variant resulted in a classification of likely benign for this disease.

Natera, Inc.
Classification: Likely benign for Multiple sulfatase deficiency. Last evaluated: 2019-10-24. Review status: no assertion criteria provided. Collection method: clinical testing. Allele origin: germline. Not counted in ClinVar's aggregate classification.

NM_182760.4(SUMF1):c.642G>A (p.Ala214=)

Gene: SUMF1 (sulfatase modifying factor 1; minus strand). Cytogenetic location: 3p26.1.
Variant type: single nucleotide variant.
Coding change: c.642G>A on transcript NM_182760.4 (MANE Select); coding-DNA position 642, G replaced by A.
Protein change: p.Ala214=; no amino-acid change (alanine 214 retained).
Molecular consequence: synonymous variant.
Genome position (GRCh38, 1-based): chr3:4,418,093, C>T on the plus strand (G>A on the coding strand, the complement: SUMF1 is on the minus strand). VCF-style: chr3-4418093-C-T. GRCh37 (hg19) VCF-style: chr3-4459777-C-T.
Other names: p.Ala214=; c.567G>A, p.Ala189= (NM_001164674.2); c.642G>A, p.Ala214= (NM_001164675.2).
Identifiers: ClinVar variation 785745 (VCV000785745.43), dbSNP rs141017221, ClinGen allele CA2230510.
Genomic context (GRCh38, chr3:4,418,093, plus strand): 5'-GCTGTATTCCCACTCAGCTTCCGTGGGCAGCCGCTTCCCTGCCCAAGTGCAGTAGGCAAC[C>T]GCATCATTCCAGGACACATGGAGAACTGGATGATCCGGCCTGGGGAAGAGCAAAAGTAGA-3'
Protein context (NP_877437.2, residues 204-224): HPVLHVSWND[Ala214=]VAYCTWAGKR